The following is an entry in ClinVar:

NM_003803.4(MYOM1):c.4428A>C (p.Gln1476His)

Gene: MYOM1 (myomesin 1; minus strand). Cytogenetic location: 18p11.31.
Variant type: single nucleotide variant.
Coding change: c.4428A>C on transcript NM_003803.4 (MANE Select); coding-DNA position 4428, A replaced by C.
Protein change: p.Gln1476His; replaces glutamine 1476 with histidine.
Molecular consequence: missense variant.
Genome position (GRCh38, 1-based): chr18:3,083,845, T>G on the plus strand (A>C on the coding strand, the complement: MYOM1 is on the minus strand). VCF-style: chr18-3083845-T-G. GRCh37 (hg19) VCF-style: chr18-3083843-T-G.
Other names: c.4140A>C, p.Gln1380His (NM_019856.2); c.4428A>C (NM_003803.3); short protein forms Q1380H, Q1476H.
Identifiers: ClinVar variation 1008014 (VCV001008014.11), dbSNP rs929663462, ClinGen allele CA295542484.

ClinVar aggregate classification (germline): Uncertain significance. Review status: criteria provided, multiple submitters, no conflicts (2 of 4 stars). 2 submissions from 2 submitters: Uncertain significance (2). Last evaluated 2025-11-24.

Conditions:
Hypertrophic cardiomyopathy. Also called: HYPERTROPHIC MYOCARDIOPATHY. Identifiers: Orphanet 217569, MedGen C0007194, MeSH D002312, MONDO:0005045, HP:0001639.

Allele frequency attached by ClinVar (database versions not stated): gnomAD 0.00003; TOPMed 0.00005.
gnomAD v4.1: 5 of 1,584,148 alleles (0.00032%); highest among the groups gnomAD compares: African/African-American, 0.0054%; no homozygotes.

Submissions (2):

Labcorp Genetics (formerly Invitae), Labcorp
Classification: Uncertain significance for Hypertrophic cardiomyopathy. Last evaluated: 2025-11-24. Review status: criteria provided, single submitter. Criteria: Invitae Variant Classification Sherloc (09022015). Collection method: clinical testing. Allele origin: germline.
Comment: This sequence change replaces glutamine, which is neutral and polar, with histidine, which is basic and polar, at codon 1476 of the MYOM1 protein (p.Gln1476His). This variant is not present in population databases (gnomAD no frequency). This variant has not been reported in the literature in individuals affected with MYOM1-related conditions. ClinVar contains an entry for this variant (Variation ID: 1008014). Invitae Evidence Modeling of protein sequence and biophysical properties (such as structural, functional, and spatial information, amino acid conservation, physicochemical variation, residue mobility, and thermodynamic stability) indicates that this missense variant is not expected to disrupt MYOM1 protein function with a negative predictive value of 80%. In summary, the available evidence is currently insufficient to determine the role of this variant in disease. Therefore, it has been classified as a Variant of Uncertain Significance.

Ambry Genetics
Classification: Uncertain significance. Last evaluated: 2025-08-19. Review status: criteria provided, single submitter. Criteria: Ambry Variant Classification Scheme 2023. Collection method: clinical testing. Allele origin: germline.